The following is an entry in ClinVar:

NM_023014.1(PRAMEF2):c.441A>G (p.Leu147=)

Genes: PRAMEF2 (PRAME family member 2; plus strand), LOC126805622 (CDK7 strongly-dependent group 2 enhancer GRCh37_chr1:12919058-12920257; plus strand). Cytogenetic location: 1p36.21.
Variant type: single nucleotide variant.
Coding change: c.441A>G on transcript NM_023014.1 (MANE Select); coding-DNA position 441, A replaced by G.
Protein change: p.Leu147=; no amino-acid change (leucine 147 retained).
Molecular consequence: synonymous variant.
Genome position (GRCh38, 1-based): chr1:12,859,846, A>G. VCF-style: chr1-12859846-A-G. GRCh37 (hg19) VCF-style: chr1-12919701-A-G.
Identifiers: ClinVar variation 3025332 (VCV003025332.22), dbSNP rs202147832, ClinGen allele CA608029.

ClinVar aggregate classification (germline): Likely benign (1 of 4 stars; one submission).

Allele frequency attached by ClinVar (database versions not stated): ExAC 0.00033.

Submission:

CeGaT Center for Human Genetics Tuebingen
Classification: Likely benign. Last evaluated: 2024-01-01. Review status: criteria provided, single submitter. Criteria: CeGaT Center For Human Genetics Tuebingen Variant Classification Criteria Version 2. Collection method: clinical testing. Allele origin: germline. Affected: yes. Observed: 1 variant allele.
Comment: PRAMEF2: BP4, BP7, BS2